The following is an entry in ClinVar:

ClinVar aggregate classification (germline): Likely benign. Review status: criteria provided, single submitter (1 of 4 stars). 2 submissions from 2 submitters: Likely benign (1). 1 of the submissions does not count toward it. Last evaluated 2024-04-26.

Conditions:
Hereditary sensory and autonomic neuropathy type 6. Also called: Neuropathy, hereditary sensory and autonomic, type VI; HSAN VI. Identifiers: Orphanet 314381, MedGen C3539003, MONDO:0013839, OMIM 614653.
Epidermolysis bullosa simplex 3, localized or generalized intermediate, with BP230 deficiency (EBS3). Also called: Epidermolysis bullosa simplex, autosomal recessive 2; Epidermolysis bullosa simplex due to BP230 deficiency. Identifiers: Orphanet 412181, MedGen C3809470, MONDO:0014180, OMIM 615425.
DST-related disorder. Also called: DST-related condition; DST-related disorders.

Allele frequency attached by ClinVar (database versions not stated): gnomAD exomes 0.00002 and 0.00006; ExAC 0.00007; ESP Exome Variant Server 0.00008; gnomAD 0.00015; 1000 Genomes Project 30x 0.00016; TOPMed 0.00017; 1000 Genomes Project 0.00020.
gnomAD v4.1: 51 of 1,613,612 alleles (0.0032%); highest among the groups gnomAD compares: African/African-American, 0.056%; no homozygotes.

Submissions (2):

Labcorp Genetics (formerly Invitae), Labcorp
Classification: Likely benign for Epidermolysis bullosa simplex 3, localized or generalized intermediate, with BP230 deficiency; Hereditary sensory and autonomic neuropathy type 6. Last evaluated: 2024-04-26. Review status: criteria provided, single submitter. Criteria: Invitae Variant Classification Sherloc (09022015). Collection method: clinical testing. Allele origin: germline.

PreventionGenetics, part of Exact Sciences
Classification: Likely benign for DST-related condition. Last evaluated: 2019-02-19. Review status: no assertion criteria provided. Collection method: clinical testing. Allele origin: germline. Not counted in ClinVar's aggregate classification.
Comment: This variant is classified as likely benign based on ACMG/AMP sequence variant interpretation guidelines (Richards et al. 2015 PMID: 25741868, with internal and published modifications).

NM_001374736.1(DST):c.13191G>C (p.Val4397=)

Gene: DST (dystonin; minus strand). Cytogenetic location: 6p12.1.
Variant type: single nucleotide variant.
Coding change: c.13191G>C on transcript NM_001374736.1 (MANE Select); coding-DNA position 13191, G replaced by C.
Protein change: p.Val4397=; no amino-acid change (valine 4397 retained).
Molecular consequence: synonymous variant.
Genome position (GRCh38, 1-based): chr6:56,573,724, C>G on the plus strand (G>C on the coding strand, the complement: DST is on the minus strand). VCF-style: chr6-56573724-C-G. GRCh37 (hg19) VCF-style: chr6-56438522-C-G.
Other names: c.6834G>C, p.Val2278= (NM_001144769.5); c.6420G>C, p.Val2140= (NM_001144770.2); c.13191G>C, p.Val4397= (NM_001374722.1); c.12558G>C, p.Val4186= (NM_001374729.1); c.6300G>C, p.Val2100= (NM_001374730.1, NM_001386100.1, NM_183380.4); c.13218G>C, p.Val4406= (NM_001374734.1); c.5322G>C, p.Val1774= (NM_015548.5); c.6834G>C (NM_001144769.2).
Identifiers: ClinVar variation 1099054 (VCV001099054.11), dbSNP rs371033457, ClinGen allele CA3868266.